The following is an entry in ClinVar:

NM_005051.3(QARS1):c.1863+18A>C

Gene: QARS1 (glutaminyl-tRNA synthetase 1; minus strand). Cytogenetic location: 3p21.31.
Variant type: single nucleotide variant.
Coding change: c.1863+18A>C on transcript NM_005051.3 (MANE Select); 18 bases into the intron after coding-DNA position 1863, A replaced by C.
Molecular consequence: intron variant.
Genome position (GRCh38, 1-based): chr3:49,098,867, T>G on the plus strand (A>C on the coding strand, the complement: QARS1 is on the minus strand). VCF-style: chr3-49098867-T-G. GRCh37 (hg19) VCF-style: chr3-49136300-T-G.
Other names: c.1830+18A>C (NM_001272073.2).
Identifiers: ClinVar variation 386878 (VCV000386878.9), dbSNP rs375666402, ClinGen allele CA2391615.

ClinVar aggregate classification (germline): Likely benign. Review status: criteria provided, multiple submitters, no conflicts (2 of 4 stars). 2 submissions from 2 submitters: Likely benign (2). Last evaluated 2025-12-17.

Conditions:
Diffuse cerebral and cerebellar atrophy - intractable seizures - progressive microcephaly syndrome. Also called: Microcephaly, progressive, with seizures and cerebral and cerebellar atrophy. Identifiers: Orphanet 404437, MedGen C4014239, MONDO:0014335, OMIM 615760.

Allele frequency attached by ClinVar (database versions not stated): ExAC 0.00003; gnomAD exomes 0.00003 and 0.00001; gnomAD 0.00006 and 0.00007; TOPMed 0.00007.

Submissions (2):

Labcorp Genetics (formerly Invitae), Labcorp
Classification: Likely benign for Diffuse cerebral and cerebellar atrophy - intractable seizures - progressive microcephaly syndrome. Last evaluated: 2025-12-17. Review status: criteria provided, single submitter. Criteria: Invitae Variant Classification Sherloc (09022015). Collection method: clinical testing. Allele origin: germline.

GeneDx
Classification: Likely benign. Last evaluated: 2016-06-14. Review status: criteria provided, single submitter. Criteria: GeneDx Variant Classification (06012015). Collection method: clinical testing. Allele origin: germline. Affected: yes.
Comment: This variant is considered likely benign or benign based on one or more of the following criteria: it is a conservative change, it occurs at a poorly conserved position in the protein, it is predicted to be benign by multiple in silico algorithms, and/or has population frequency not consistent with disease.